The following is an entry in ClinVar:

ClinVar aggregate classification (germline): Uncertain significance. Review status: criteria provided, multiple submitters, no conflicts (2 of 4 stars). 2 submissions from 2 submitters: Uncertain significance (2). Last evaluated 2026-01-26.

Conditions:
Gastrointestinal stromal tumor. Also called: Gastrointestinal stroma tumor; Gastrointestinal stromal tumor, somatic. Identifiers: Orphanet 44890, MedGen C0238198, MeSH D046152, MONDO:0011719, OMIM 606764, HP:0100723.
Hereditary cancer-predisposing syndrome. Also called: Tumor predisposition; Hereditary Cancer Syndrome; Hereditary neoplastic syndrome; Neoplastic Syndromes, Hereditary. Identifiers: Orphanet 140162, MedGen C0027672, MeSH D009386, MONDO:0015356.

Allele frequency attached by ClinVar (database versions not stated): gnomAD exomes below 0.00001.
gnomAD v4.1: 2 of 1,613,626 alleles (0.00012%); highest among the groups gnomAD compares: East Asian, 0.0045%; no homozygotes.

Submissions (2):

Labcorp Genetics (formerly Invitae), Labcorp
Classification: Uncertain significance for Gastrointestinal stromal tumor. Last evaluated: 2026-01-26. Review status: criteria provided, single submitter. Criteria: Invitae Variant Classification Sherloc (09022015). Collection method: clinical testing. Allele origin: germline.
Comment: This sequence change replaces serine, which is neutral and polar, with asparagine, which is neutral and polar, at codon 911 of the PDGFRA protein (p.Ser911Asn). This variant is present in population databases (no rsID available, gnomAD 0.006%). This variant has not been reported in the literature in individuals affected with PDGFRA-related conditions. ClinVar contains an entry for this variant (Variation ID: 1426182). Invitae Evidence Modeling of protein sequence and biophysical properties (such as structural, functional, and spatial information, amino acid conservation, physicochemical variation, residue mobility, and thermodynamic stability) indicates that this missense variant is not expected to disrupt PDGFRA protein function with a negative predictive value of 80%. In summary, the available evidence is currently insufficient to determine the role of this variant in disease. Therefore, it has been classified as a Variant of Uncertain Significance.

Ambry Genetics
Classification: Uncertain significance for Hereditary cancer-predisposing syndrome. Last evaluated: 2025-01-17. Review status: criteria provided, single submitter. Criteria: Ambry Variant Classification Scheme 2023. Collection method: clinical testing. Allele origin: germline.
Comment: The p.S911N variant (also known as c.2732G>A), located in coding exon 19 of the PDGFRA gene, results from a G to A substitution at nucleotide position 2732. The serine at codon 911 is replaced by asparagine, an amino acid with highly similar properties. This amino acid position is well conserved in available vertebrate species. In addition, this alteration is predicted to be tolerated by in silico analysis. Based on the available evidence, the clinical significance of this variant remains unclear.

NM_006206.6(PDGFRA):c.2732G>A (p.Ser911Asn)

Gene: PDGFRA (platelet derived growth factor receptor alpha; plus strand). Cytogenetic location: 4q12.
Variant type: single nucleotide variant.
Coding change: c.2732G>A on transcript NM_006206.6 (MANE Select); coding-DNA position 2732, G replaced by A.
Protein change: p.Ser911Asn; replaces serine 911 with asparagine.
Molecular consequence: missense variant.
Genome position (GRCh38, 1-based): chr4:54,288,856, G>A. VCF-style: chr4-54288856-G-A. GRCh37 (hg19) VCF-style: chr4-55155023-G-A.
Other names: c.2807G>A, p.Ser936Asn (NM_001347828.2); c.2732G>A, p.Ser911Asn (NM_001347829.2); c.2771G>A, p.Ser924Asn (NM_001347830.2); short protein forms S911N, S924N, S936N.
Identifiers: ClinVar variation 1426182 (VCV001426182.9), dbSNP rs1317114941, ClinGen allele CA356895529.